The following is an entry in ClinVar:

ClinVar aggregate classification (germline): Uncertain significance (1 of 4 stars; one submission).

Conditions:
Brugada syndrome. Also called: Sudden unexpected nocturnal death syndrome; Sudden unexplained nocturnal death syndrome; Sudden Unexplained Death Syndrome; Sudden Unexplained Nocturnal Death Syndrome (SUNDS). Identifiers: Orphanet 130, MedGen C1142166, MONDO:0015263.

Allele frequency attached by ClinVar (database versions not stated): gnomAD exomes below 0.00001.
gnomAD v4.1: 2 of 1,613,784 alleles (0.00012%); highest among the groups gnomAD compares: Non-Finnish European, 0.000085%; no homozygotes.

Submission:

Labcorp Genetics (formerly Invitae), Labcorp
Classification: Uncertain significance for Brugada syndrome. Last evaluated: 2025-03-31. Review status: criteria provided, single submitter. Criteria: Invitae Variant Classification Sherloc (09022015). Collection method: clinical testing. Allele origin: germline.
Comment: This sequence change replaces isoleucine, which is neutral and non-polar, with phenylalanine, which is neutral and non-polar, at codon 5 of the SCN10A protein (p.Ile5Phe). This variant is present in population databases (no rsID available, gnomAD 0.0009%). This variant has not been reported in the literature in individuals affected with SCN10A-related conditions. ClinVar contains an entry for this variant (Variation ID: 648861). Invitae Evidence Modeling of protein sequence and biophysical properties (such as structural, functional, and spatial information, amino acid conservation, physicochemical variation, residue mobility, and thermodynamic stability) indicates that this missense variant is not expected to disrupt SCN10A protein function with a negative predictive value of 80%. In summary, the available evidence is currently insufficient to determine the role of this variant in disease. Therefore, it has been classified as a Variant of Uncertain Significance.

NM_006514.4(SCN10A):c.13A>T (p.Ile5Phe)

Gene: SCN10A (sodium voltage-gated channel alpha subunit 10; minus strand). Cytogenetic location: 3p22.2.
Variant type: single nucleotide variant.
Coding change: c.13A>T on transcript NM_006514.4 (MANE Select); coding-DNA position 13, A replaced by T.
Protein change: p.Ile5Phe; replaces isoleucine 5 with phenylalanine.
Molecular consequence: missense variant.
Genome position (GRCh38, 1-based): chr3:38,793,998, T>A on the plus strand (A>T on the coding strand, the complement: SCN10A is on the minus strand). VCF-style: chr3-38793998-T-A. GRCh37 (hg19) VCF-style: chr3-38835489-T-A.
Other names: c.13A>T, p.Ile5Phe (NM_001293306.2, NM_001293307.2); short protein forms I5F.
Identifiers: ClinVar variation 648861 (VCV000648861.5), dbSNP rs1156489183, ClinGen allele CA352163554.